The following is an entry in ClinVar:

ClinVar aggregate classification (germline): Uncertain significance (1 of 4 stars; one submission).

Conditions:
Hereditary cancer-predisposing syndrome. Also called: Neoplastic Syndromes, Hereditary; Tumor predisposition; Hereditary Cancer Syndrome; Hereditary neoplastic syndrome. Identifiers: Orphanet 140162, MedGen C0027672, MeSH D009386, MONDO:0015356.

Submission:

Ambry Genetics
Classification: Uncertain significance for Hereditary cancer-predisposing syndrome. Last evaluated: 2020-01-07. Review status: criteria provided, single submitter. Criteria: Ambry Variant Classification Scheme 2023. Collection method: clinical testing. Allele origin: germline.
Comment: The c.1636dupG variant, located in coding exon 4 of the MET gene, results from a duplication of G at nucleotide position 1636, causing a translational frameshift with a predicted alternate stop codon (p.V546Gfs*27). This alteration is expected to result in loss of function by premature protein truncation or nonsense-mediated mRNA decay. However, loss of function of MET has not been clearly established as a mechanism of disease. Since supporting evidence is limited at this time, the clinical significance of this alteration remains unclear.

NM_000245.4(MET):c.1636dup (p.Val546fs)

Gene: MET (MET proto-oncogene, receptor tyrosine kinase; plus strand). Cytogenetic location: 7q31.2.
Variant type: Duplication.
Coding change: c.1636dup on transcript NM_000245.4 (MANE Select); coding-DNA position 1636, one base duplicated (G; older notation c.1636dupG).
Protein change: p.Val546fs; shifts the reading frame from valine 546.
Molecular consequence: frameshift variant.
Genome position (GRCh38, 1-based): chr7:116,740,960, G duplicated. VCF-style (leftmost placement, unchanged base first): chr7-116740959-T-TG. GRCh37 (hg19) VCF-style: chr7-116381013-T-TG.
Other names: c.1636dup, p.Val546fs (NM_001127500.3, NM_001324401.3); c.346dup, p.Val116fs (NM_001324402.2); c.1636dupG (NM_001127500.1); short protein forms V116fs, V546fs.
Identifiers: ClinVar variation 1776939 (VCV001776939.2), dbSNP rs2485645420, ClinGen allele CA2580076256.